The following is an entry in ClinVar:

NM_001161352.2(KCNMA1):c.13GGC[7] (p.Gly10dup)

Gene: KCNMA1 (potassium calcium-activated channel subfamily M alpha 1; minus strand). Cytogenetic location: 10q22.3.
Variant type: Microsatellite.
Coding change: c.13GGC[7] on transcript NM_001161352.2 (MANE Select); seven copies in a row of the 3-base unit GGC starting at c.13; the reference has six copies in a row; one copy, 3 bases duplicated.
Protein change: p.Gly10dup; duplicates glycine 10.
Molecular consequence: inframe insertion.
Genome position (GRCh38, 1-based): chr10:77,637,613-77,637,615, GCC duplicated on the plus strand (GGC on the coding strand, the reverse complement: KCNMA1 is on the minus strand); duplicating any 3 consecutive bases within chr10:77,637,613-77,637,630 gives the same sequence; the position shown is the placement nearest the transcript's 3' end. VCF-style (leftmost placement, unchanged base first): chr10-77637612-T-TGCC. GRCh37 (hg19) VCF-style: chr10-79397370-T-TGCC.
Other names: c.28_30dupGGC (NM_001161352.2); c.13GGC[7], p.Gly10dup (NM_001014797.3, NM_001161353.2, NM_001271518.2 and 12 more transcripts).
Identifiers: ClinVar variation 532944 (VCV000532944.45), dbSNP rs750804948, ClinGen allele CA5568825.

ClinVar aggregate classification (germline): Conflicting classifications of pathogenicity. Review status: criteria provided, conflicting classifications (1 of 4 stars). 3 submissions from 3 submitters: Uncertain significance (2); Likely benign (1). Last evaluated 2025-10-27.

Conditions:
Generalized epilepsy-paroxysmal dyskinesia syndrome (PNKD3). Also called: Generalized epilepsy and paroxysmal dyskinesia; Paroxysmal nonkinesigenic dyskinesia, 3, with or without generalized epilepsy. Identifiers: Orphanet 79137, MedGen C5574945, MONDO:0012276, OMIM 609446.

Submissions (3):

Labcorp Genetics (formerly Invitae), Labcorp
Classification: Uncertain significance for Generalized epilepsy-paroxysmal dyskinesia syndrome. Last evaluated: 2025-10-27. Review status: criteria provided, single submitter. Criteria: Invitae Variant Classification Sherloc (09022015). Collection method: clinical testing. Allele origin: germline.
Comment: This variant, c.28_30dup, results in the insertion of 1 amino acid(s) of the KCNMA1 protein (p.Gly10dup), but otherwise preserves the integrity of the reading frame. The frequency data for this variant in the population databases is considered unreliable, as metrics indicate poor data quality at this position in the gnomAD database. This variant has been observed in individual(s) with clinical features of KCNMA1-related conditions (internal data). ClinVar contains an entry for this variant (Variation ID: 532944). Experimental studies and prediction algorithms are not available or were not evaluated, and the functional significance of this variant is currently unknown. In summary, the available evidence is currently insufficient to determine the role of this variant in disease. Therefore, it has been classified as a Variant of Uncertain Significance.

Women's Health and Genetics/Laboratory Corporation of America, LabCorp
Classification: Uncertain significance. Last evaluated: 2024-11-27. Review status: criteria provided, single submitter. Criteria: LabCorp Variant Classification Summary - May 2015. Collection method: clinical testing. Allele origin: germline.
Comment: Variant summary: KCNMA1 c.28_30dupGGC (p.Gly10dup) results in an in-frame duplication that is predicted to duplicate one amino acid into the encoded protein. The variant allele was found at a frequency of 0.00014 in 118702 control chromosomes. This frequency is not significantly higher than estimated for a pathogenic variant in KCNMA1 causing Paroxysmal Nonkinesigenic Dyskinesia, 3, With Or Without Generalized Epilepsy, allowing no conclusion about variant significance. To our knowledge, no occurrence of c.28_30dupGGC in individuals affected with Paroxysmal Nonkinesigenic Dyskinesia, 3, With Or Without Generalized Epilepsy and no experimental evidence demonstrating its impact on protein function have been reported. ClinVar contains an entry for this variant (Variation ID: 532944). Based on the evidence outlined above, the variant was classified as uncertain significance.

CeGaT Center for Human Genetics Tuebingen
Classification: Likely benign. Last evaluated: 2024-10-01. Review status: criteria provided, single submitter. Criteria: CeGaT Center For Human Genetics Tuebingen Variant Classification Criteria Version 2. Collection method: clinical testing. Allele origin: germline. Affected: yes. Observed: 3 variant alleles.
Comment: KCNMA1: BP3, BP5